The following is an entry in ClinVar:

NM_001366385.1(CARD14):c.1583T>C (p.Leu528Pro)

Gene: CARD14 (caspase recruitment domain family member 14; plus strand). Cytogenetic location: 17q25.3.
Variant type: single nucleotide variant.
Coding change: c.1583T>C on transcript NM_001366385.1 (MANE Select); coding-DNA position 1583, T replaced by C.
Protein change: p.Leu528Pro; replaces leucine 528 with proline.
Molecular consequence: missense variant. On other transcripts: non-coding transcript variant (1).
Genome position (GRCh38, 1-based): chr17:80,195,641, T>C. VCF-style: chr17-80195641-T-C. GRCh37 (hg19) VCF-style: chr17-78169440-T-C.
Other names: c.1583T>C, p.Leu528Pro (NM_001257970.1, NM_024110.4); c.872T>C, p.Leu291Pro (NM_052819.3); short protein forms L528P, L291P.
Identifiers: ClinVar variation 1928424 (VCV001928424.5), dbSNP rs2510669762, ClinGen allele CA401349734.

ClinVar aggregate classification (germline): Uncertain significance (1 of 4 stars; one submission).

Conditions:
Psoriasis 2. Identifiers: MedGen C1864497, MONDO:0011269, OMIM 602723.
Pityriasis rubra pilaris (PRP). Also called: Pityriasis rubra pilaris--familial type. Identifiers: Orphanet 2897, MedGen C0032027, MONDO:0100017, OMIM 173200, MONDO:0008251.

Allele frequency attached by ClinVar (database versions not stated): gnomAD exomes below 0.00001.
gnomAD v4.1: 1 of 1,613,098 alleles (0.000062%); highest among the groups gnomAD compares: Non-Finnish European, 0.000085%; no homozygotes.

Submission:

Labcorp Genetics (formerly Invitae), Labcorp
Classification: Uncertain significance for Pityriasis rubra pilaris; Psoriasis 2. Last evaluated: 2022-10-26. Review status: criteria provided, single submitter. Criteria: Invitae Variant Classification Sherloc (09022015). Collection method: clinical testing. Allele origin: germline.
Comment: In summary, the available evidence is currently insufficient to determine the role of this variant in disease. Therefore, it has been classified as a Variant of Uncertain Significance. Advanced modeling of protein sequence and biophysical properties (such as structural, functional, and spatial information, amino acid conservation, physicochemical variation, residue mobility, and thermodynamic stability) performed at Invitae indicates that this missense variant is not expected to disrupt CARD14 protein function. This missense change has been observed in individual(s) with familial Mediterranean fever (PMID: 32199921). This variant is not present in population databases (gnomAD no frequency). This sequence change replaces leucine, which is neutral and non-polar, with proline, which is neutral and non-polar, at codon 528 of the CARD14 protein (p.Leu528Pro).

Literature cited by the submitters: PubMed 32199921.